The following is an entry in ClinVar:

ClinVar aggregate classification (germline): Uncertain significance (1 of 4 stars; one submission).

Conditions:
Agammaglobulinemia 6, autosomal recessive (AGM6). Also called: AGAMMAGLOBULINEMIA, AUTOSOMAL RECESSIVE, DUE TO CD79B DEFECT; AGAMMAGLOBULINEMIA 6. Identifiers: MedGen C3150207, MONDO:0012987, OMIM 612692.

Allele frequency attached by ClinVar (database versions not stated): gnomAD exomes below 0.00001.
gnomAD v4.1: 3 of 1,607,882 alleles (0.00019%); highest among the groups gnomAD compares: Non-Finnish European, 0.00025%; no homozygotes.

Submission:

Labcorp Genetics (formerly Invitae), Labcorp
Classification: Uncertain significance for Agammaglobulinemia 6, autosomal recessive. Last evaluated: 2022-02-03. Review status: criteria provided, single submitter. Criteria: Invitae Variant Classification Sherloc (09022015). Collection method: clinical testing. Allele origin: germline.
Comment: This sequence change replaces leucine, which is neutral and non-polar, with glutamine, which is neutral and polar, at codon 181 of the CD79B protein (p.Leu181Gln). This variant is not present in population databases (gnomAD no frequency). This variant has not been reported in the literature in individuals affected with CD79B-related conditions. ClinVar contains an entry for this variant (Variation ID: 1019051). Algorithms developed to predict the effect of missense changes on protein structure and function are either unavailable or do not agree on the potential impact of this missense change (SIFT: "Not Available"; PolyPhen-2: "Probably Damaging"; Align-GVGD: "Not Available"). In summary, the available evidence is currently insufficient to determine the role of this variant in disease. Therefore, it has been classified as a Variant of Uncertain Significance.

NM_000626.4(CD79B):c.542T>A (p.Leu181Gln)

Genes: CD79B (CD79b molecule; minus strand), GH-LCR (growth hormone locus control region; plus strand). Cytogenetic location: 17q23.3.
Variant type: single nucleotide variant.
Coding change: c.542T>A on transcript NM_000626.4 (MANE Select); coding-DNA position 542, T replaced by A.
Protein change: p.Leu181Gln; replaces leucine 181 with glutamine.
Molecular consequence: missense variant.
Genome position (GRCh38, 1-based): chr17:63,929,777, A>T on the plus strand (T>A on the coding strand, the complement: CD79B is on the minus strand). VCF-style: chr17-63929777-A-T. GRCh37 (hg19) VCF-style: chr17-62007137-A-T.
Other names: c.545T>A, p.Leu182Gln (NM_001039933.3); c.233T>A, p.Leu78Gln (NM_001329050.2); c.230T>A, p.Leu77Gln (NM_021602.4); short protein forms L181Q, L182Q, L77Q, L78Q.
Identifiers: ClinVar variation 1019051 (VCV001019051.7), dbSNP rs1908002118, ClinGen allele CA400603983.